The following is an entry in ClinVar:

ClinVar aggregate classification (germline): Benign. Review status: criteria provided, multiple submitters, no conflicts (2 of 4 stars). 2 submissions from 2 submitters: Benign (2). Last evaluated 2018-06-14.

Allele frequency attached by ClinVar (database versions not stated): gnomAD exomes 0.24139; 1000 Genomes Project 0.32609; 1000 Genomes Project 30x 0.34069; gnomAD 0.34583 and 0.35695; TOPMed 0.37352.
gnomAD v4.1: 138,552 of 524,363 alleles (26%); highest among the groups gnomAD compares: African/African-American, 65%; 15,981 homozygotes.

Submissions (3):

GeneDx
Classification: Benign. Last evaluated: 2018-06-14. Review status: criteria provided, single submitter. Criteria: GeneDx Variant Classification (06012015). Collection method: clinical testing. Allele origin: germline. Affected: yes.
Comment: This variant is considered likely benign or benign based on one or more of the following criteria: it is a conservative change, it occurs at a poorly conserved position in the protein, it is predicted to be benign by multiple in silico algorithms, and/or has population frequency not consistent with disease.

Breakthrough Genomics
Classification: Benign. Review status: criteria provided, single submitter. Criteria: ACMG Guidelines, 2015. Collection method: not provided. Allele origin: germline. Inheritance: X-linked inheritance. Affected: yes.

Dr. Peter K. Rogan Lab, Western University
No classification provided (evidence only). Condition: Gastric cancer. Review status: no classification provided. Collection method: in vitro. Allele origin: not applicable. Functional consequence: retained intron. Not counted in ClinVar's aggregate classification.

NM_004006.3(DMD):c.94-133G>A

Gene: DMD (dystrophin; minus strand). Cytogenetic location: Xp21.1.
Variant type: single nucleotide variant.
Coding change: c.94-133G>A on transcript NM_004006.3 (MANE Select); 133 bases into the intron before coding-DNA position 94, G replaced by A.
Molecular consequence: intron variant.
Genome position (GRCh38, 1-based): chrX:32,849,953, C>T on the plus strand (G>A on the coding strand, the complement: DMD is on the minus strand). VCF-style: chrX-32849953-C-T. GRCh37 (hg19) VCF-style: chrX-32868070-C-T.
Other names: NC_000023.10:g.32868070C>T; c.70-133G>A (NM_000109.4); c.82-133G>A (NM_004009.3); c.-276-133G>A (NM_004010.3).
Identifiers: ClinVar variation 672481 (VCV000672481.3), dbSNP rs3764763, ClinGen allele CA15027336.